The following is an entry in ClinVar:

NM_000540.3(RYR1):c.11155G>A (p.Asp3719Asn)

Gene: RYR1 (ryanodine receptor 1; plus strand). Cytogenetic location: 19q13.2.
Variant type: single nucleotide variant.
Coding change: c.11155G>A on transcript NM_000540.3 (MANE Select); coding-DNA position 11155, G replaced by A.
Protein change: p.Asp3719Asn; replaces aspartic acid 3719 with asparagine.
Molecular consequence: missense variant.
Genome position (GRCh38, 1-based): chr19:38,532,503, G>A. VCF-style: chr19-38532503-G-A. GRCh37 (hg19) VCF-style: chr19-39023143-G-A.
Other names: c.11140G>A, p.Asp3714Asn (NM_001042723.2); short protein forms D3714N, D3719N.
Identifiers: ClinVar variation 4756840 (VCV004756840.1).

ClinVar aggregate classification (germline): Uncertain significance (1 of 4 stars; one submission).

Conditions:
Malignant hyperthermia, susceptibility to, 1 (MHS1). Also called: RYR1-Related Malignant Hyperthermia Susceptibility; Malignant hyperthermia suceptibility 1; Anesthesia related hyperthermia; Malignant hyperpyrexia; Fulminating hyperpyrexia; Pharmacogenic myopathy. Identifiers: Orphanet 423, MedGen C2930980, MONDO:0007783, OMIM 145600.

Submission:

Color Diagnostics, LLC DBA Color Health
Classification: Uncertain significance for Malignant hyperthermia, susceptibility to, 1. Last evaluated: 2025-06-29. Review status: criteria provided, single submitter. Criteria: ACMG Guidelines, 2015. Collection method: clinical testing. Allele origin: germline.
Comment: This missense variant replaces aspartic acid with asparagine at codon 3719 of the RYR1 protein. Computational prediction suggests that this variant may have deleterious impact on protein structure and function. To our knowledge, functional studies have not been reported for this variant. This variant has not been reported in individuals affected with RYR1-related disorders in the literature. This variant has not been identified in the general population by the Genome Aggregation Database (gnomAD). The available evidence is insufficient to determine the role of this variant in disease conclusively. Therefore, this variant is classified as a Variant of Uncertain Significance.